The following is an entry in ClinVar:

NM_001105247.2(ARMC5):c.1671C>T (p.Gly557=)

Gene: ARMC5 (armadillo repeat containing 5; plus strand). Cytogenetic location: 16p11.2.
Variant type: single nucleotide variant.
Coding change: c.1671C>T on transcript NM_001105247.2 (MANE Select); coding-DNA position 1671, C replaced by T.
Protein change: p.Gly557=; no amino-acid change (glycine 557 retained).
Molecular consequence: synonymous variant.
Genome position (GRCh38, 1-based): chr16:31,464,694, C>T. VCF-style: chr16-31464694-C-T. GRCh37 (hg19) VCF-style: chr16-31476015-C-T.
Other names: c.1956C>T, p.Gly652= (NM_001288767.2); c.1767C>T, p.Gly589= (NM_001301820.1); c.1671C>T, p.Gly557= (NM_024742.2).
Identifiers: ClinVar variation 3036311 (VCV003036311.2), dbSNP rs780901092, ClinGen allele CA8029754.
Genomic context (GRCh38, chr16:31,464,694, plus strand): 5'-CCCAAGTGGGGCACTTGTGACCGGCCCGGCGCTGTACGGCCTGCTGACCTATGTGACCGG[C>T]GCACCGGGCCCGCCCAGCCCACGTGCACTGCGCATTCTGTCACGCCTCACCTGCAACCCT-3'
Protein context (NP_001098717.1, residues 547-567): ALYGLLTYVT[Gly557=]APGPPSPRAL

ClinVar aggregate classification (germline): Likely benign (0 of 4 stars; one submission).

Conditions:
ARMC5-related disorder. Also called: ARMC5-related condition.

Allele frequency attached by ClinVar (database versions not stated): TOPMed 0.00004; gnomAD 0.00005; ExAC 0.00012.
gnomAD v4.1: 66 of 1,598,350 alleles (0.0041%); highest among the groups gnomAD compares: Middle Eastern, 0.033%; no homozygotes.

Submission:

PreventionGenetics, part of Exact Sciences
Classification: Likely benign for ARMC5-related condition. Last evaluated: 2022-01-20. Review status: no assertion criteria provided. Collection method: clinical testing. Allele origin: germline.
Comment: This variant is classified as likely benign based on ACMG/AMP sequence variant interpretation guidelines (Richards et al. 2015 PMID: 25741868, with internal and published modifications).